The following is an entry in ClinVar:

NM_000091.5(COL4A3):c.2656+1G>A

Genes: COL4A3 (collagen type IV alpha 3 chain; plus strand), MFF-DT (MFF divergent transcript; minus strand). Cytogenetic location: 2q36.3.
Variant type: single nucleotide variant.
Coding change: c.2656+1G>A on transcript NM_000091.5 (MANE Select); the canonical splice donor site of the intron after coding-DNA position 2656, G replaced by A.
Molecular consequence: splice donor variant.
Genome position (GRCh38, 1-based): chr2:227,282,533, G>A. VCF-style: chr2-227282533-G-A. GRCh37 (hg19) VCF-style: chr2-228147249-G-A.
Identifiers: ClinVar variation 4882285 (VCV004882285.2).
Genomic context (GRCh38, chr2:227,282,533, plus strand): 5'-AAATGGGACCACTGGGTCAAAGAGGATATCCAGGAAATCCGGGAATTTTAGGGCCACCAG[G>A]TATCCTTTTGTGTGTTTCTATTTTTCTTCTTATTTCTTCTTCTTCTTAAGGTGGCTCTGT-3'

ClinVar aggregate classification (germline): Likely pathogenic (1 of 4 stars; one submission).

Conditions:
Alport syndrome 3b, autosomal recessive. Identifiers: MedGen C5882699, MONDO:0957811, OMIM 620536.

Submission:

Dasa
Classification: Likely pathogenic for Alport syndrome 3b, autosomal recessive. Last evaluated: 2025-10-16. Review status: criteria provided, single submitter. Criteria: DASA Assertion Criteria. Collection method: clinical testing. Allele origin: germline.
Comment: NM_000091.5(COL4A3):c.2656+1G>A affects a canonical splice site and is predicted to disrupt normal RNA splicing. Loss of function is an established disease mechanism for COL4A3-associated disorders. This variant affects a canonical splice-site context with prior evidence supporting clinical relevance. This variant has been observed in affected individuals with COL4A3-related disorders. Also, this variant is absent from population databases. Based on the currently available evidence, this variant is classified as likely pathogenic.